The following is an entry in ClinVar:

NM_006785.4(MALT1):c.1911+4A>G

Gene: MALT1 (MALT1 paracaspase; plus strand). Cytogenetic location: 18q21.32.
Variant type: single nucleotide variant.
Coding change: c.1911+4A>G on transcript NM_006785.4 (MANE Select); 4 bases into the intron after coding-DNA position 1911, A replaced by G.
Molecular consequence: intron variant.
Genome position (GRCh38, 1-based): chr18:58,744,499, A>G. VCF-style: chr18-58744499-A-G. GRCh37 (hg19) VCF-style: chr18-56411731-A-G.
Other names: c.1911+4A>G (LRG_1221t1); c.1878+4A>G (NM_173844.3).
Identifiers: ClinVar variation 651920 (VCV000651920.5), dbSNP rs746121335, ClinGen allele CA8978006.

ClinVar aggregate classification (germline): Uncertain significance (1 of 4 stars; one submission).

Conditions:
Combined immunodeficiency due to MALT1 deficiency. Also called: Immunodeficiency 12. Identifiers: Orphanet 397964, MedGen C3809583, MONDO:0014197, OMIM 615468.

Allele frequency attached by ClinVar (database versions not stated): gnomAD exomes below 0.00001 and 0.00001; ExAC 0.00001; gnomAD 0.00002; TOPMed 0.00002.
gnomAD v4.1: 8 of 1,589,466 alleles (0.0005%); highest among the groups gnomAD compares: Non-Finnish European, 0.0006%; no homozygotes.

Submission:

Labcorp Genetics (formerly Invitae), Labcorp
Classification: Uncertain significance for Combined immunodeficiency due to MALT1 deficiency. Last evaluated: 2021-03-27. Review status: criteria provided, single submitter. Criteria: Invitae Variant Classification Sherloc (09022015). Collection method: clinical testing. Allele origin: germline.
Comment: This sequence change falls in intron 15 of the MALT1 gene. It does not directly change the encoded amino acid sequence of the MALT1 protein, but it affects a nucleotide within the consensus splice site of the intron. This variant is present in population databases (rs746121335, ExAC 0.002%). This variant has not been reported in the literature in individuals with MALT1-related disease. Nucleotide substitutions within the consensus splice site are a relatively common cause of aberrant splicing (PMID: 17576681, 9536098). Algorithms developed to predict the effect of sequence changes on RNA splicing suggest that this variant may disrupt the consensus splice site, but this prediction has not been confirmed by published transcriptional studies. In summary, the available evidence is currently insufficient to determine the role of this variant in disease. Therefore, it has been classified as a Variant of Uncertain Significance.

Literature cited by the submitters: PubMed 17576681; PubMed 9536098.